The following is an entry in ClinVar:

NM_032816.5(CEP89):c.517A>T (p.Ser173Cys)

Gene: CEP89 (centrosomal protein 89; minus strand). Cytogenetic location: 19q13.11.
Variant type: single nucleotide variant.
Coding change: c.517A>T on transcript NM_032816.5 (MANE Select); coding-DNA position 517, A replaced by T.
Protein change: p.Ser173Cys; replaces serine 173 with cysteine.
Molecular consequence: missense variant.
Genome position (GRCh38, 1-based): chr19:32,948,344, T>A on the plus strand (A>T on the coding strand, the complement: CEP89 is on the minus strand). VCF-style: chr19-32948344-T-A. GRCh37 (hg19) VCF-style: chr19-33439250-T-A.
Other names: short protein forms S173C.
Identifiers: ClinVar variation 1968712 (VCV001968712.5), dbSNP rs756912277, ClinGen allele CA9359627.
Genomic context (GRCh38, chr19:32,948,344, plus strand): 5'-GTGGTGCAGGAGGGGAGCCTGGAAACCCATCTTGATGAGAAATATTTTCATCGTCTTCAC[T>A]GTTCACCTCATGTAACAATGGCACCTTTTTGTTATAAAAGACAAAGGAGCAAAAAAGTGA-3'
Protein context (NP_116205.3, residues 163-183): NQVPLLHEVN[Ser173Cys]EDDENISHQD

ClinVar aggregate classification (germline): Uncertain significance (1 of 4 stars; one submission).

Allele frequency attached by ClinVar (database versions not stated): TOPMed 0.00001; gnomAD exomes 0.00002; ExAC 0.00003.
gnomAD v4.1: 9 of 1,610,828 alleles (0.00056%); highest among the groups gnomAD compares: Admixed American, 0.015%; no homozygotes.

Submission:

Labcorp Genetics (formerly Invitae), Labcorp
Classification: Uncertain significance. Last evaluated: 2022-04-13. Review status: criteria provided, single submitter. Criteria: Invitae Variant Classification Sherloc (09022015). Collection method: clinical testing. Allele origin: germline.
Comment: This sequence change replaces serine, which is neutral and polar, with cysteine, which is neutral and slightly polar, at codon 173 of the CEP89 protein (p.Ser173Cys). Algorithms developed to predict the effect of missense changes on protein structure and function are either unavailable or do not agree on the potential impact of this missense change (SIFT: "Deleterious"; PolyPhen-2: "Possibly Damaging"; Align-GVGD: "Class C0"). In summary, the available evidence is currently insufficient to determine the role of this variant in disease. Therefore, it has been classified as a Variant of Uncertain Significance. This variant has not been reported in the literature in individuals affected with CEP89-related conditions. This variant is present in population databases (rs756912277, gnomAD 0.02%).